The following is an entry in ClinVar:

ClinVar aggregate classification (germline): Uncertain significance. Review status: criteria provided, multiple submitters, no conflicts (2 of 4 stars). 2 submissions from 2 submitters: Uncertain significance (2). Last evaluated 2025-09-02.

Conditions:
Inborn genetic diseases. Identifiers: MedGen C0950123, MeSH D030342.

Submissions (2):

Ambry Genetics
Classification: Uncertain significance for Inborn genetic diseases. Last evaluated: 2025-09-02. Review status: criteria provided, single submitter. Criteria: Ambry Variant Classification Scheme 2023. Collection method: clinical testing. Allele origin: germline.

Labcorp Genetics (formerly Invitae), Labcorp
Classification: Uncertain significance. Last evaluated: 2019-10-24. Review status: criteria provided, single submitter. Criteria: Invitae Variant Classification Sherloc (09022015). Collection method: clinical testing. Allele origin: germline.
Comment: In summary, the available evidence is currently insufficient to determine the role of this variant in disease. Therefore, it has been classified as a Variant of Uncertain Significance. Algorithms developed to predict the effect of missense changes on protein structure and function are either unavailable or do not agree on the potential impact of this missense change (SIFT: "Deleterious"; PolyPhen-2: "Probably Damaging"; Align-GVGD: "Class C15"). This variant has not been reported in the literature in individuals with RP1-related conditions. This sequence change replaces leucine with phenylalanine at codon 70 of the RP1 protein (p.Leu70Phe). The leucine residue is highly conserved and there is a small physicochemical difference between leucine and phenylalanine. This variant is not present in population databases (ExAC no frequency).

NM_006269.2(RP1):c.210G>T (p.Leu70Phe)

Gene: RP1 (RP1 axonemal microtubule associated; plus strand). Cytogenetic location: 8q12.1.
Variant type: single nucleotide variant.
Coding change: c.210G>T on transcript NM_006269.2 (MANE Select); coding-DNA position 210, G replaced by T.
Protein change: p.Leu70Phe; replaces leucine 70 with phenylalanine.
Molecular consequence: missense variant.
Genome position (GRCh38, 1-based): chr8:54,621,176, G>T. VCF-style: chr8-54621176-G-T. GRCh37 (hg19) VCF-style: chr8-55533736-G-T.
Other names: c.210G>T, p.Leu70Phe (NM_001375654.1); short protein forms L70F.
Identifiers: ClinVar variation 961936 (VCV000961936.10), dbSNP rs1805851925, ClinGen allele CA370985916.